The following is an entry in ClinVar:

NM_003247.5(THBS2):c.346G>A (p.Val116Ile)

Gene: THBS2 (thrombospondin 2; minus strand). Cytogenetic location: 6q27.
Variant type: single nucleotide variant.
Coding change: c.346G>A on transcript NM_003247.5 (MANE Select); coding-DNA position 346, G replaced by A.
Protein change: p.Val116Ile; replaces valine 116 with isoleucine.
Molecular consequence: missense variant. On other transcripts: non-coding transcript variant (2).
Genome position (GRCh38, 1-based): chr6:169,248,680, C>T on the plus strand (G>A on the coding strand, the complement: THBS2 is on the minus strand). VCF-style: chr6-169248680-C-T. GRCh37 (hg19) VCF-style: chr6-169648775-C-T.
Other names: c.346G>A, p.Val116Ile (NM_001381939.1, NM_001381940.1, NM_001381941.1); c.115G>A, p.Val39Ile (NM_001381942.1); short protein forms V116I, V39I.
Identifiers: ClinVar variation 5038499 (VCV005038499.1).
Genomic context (GRCh38, chr6:169,248,680, plus strand): 5'-CATGCCGGGTGCCGTCAATCCAGTAGGTGAGATCCAGCGTGTCCGCGGGGCCGTTGGAGA[C>T]GATCTCGAACTGCCTCTGGGAGAGACCGGGGCCCTCCAGAGCCAACAGCGTGCCCCTGGA-3'
Protein context (NP_003238.2, residues 106-126): PGLSQRQFEI[Val116Ile]SNGPADTLDL

ClinVar aggregate classification (germline): Likely benign (1 of 4 stars; one submission).

gnomAD v4.1: 1,999 of 1,613,866 alleles (0.12%); highest among the groups gnomAD compares: Non-Finnish European, 0.15%; 5 homozygotes.

Submission:

CeGaT Center for Human Genetics Tuebingen
Classification: Likely benign. Last evaluated: 2026-08-01. Review status: criteria provided, single submitter. Criteria: CeGaT Center For Human Genetics Tuebingen Variant Classification Criteria Version 2. Collection method: clinical testing. Allele origin: germline. Affected: yes. Observed: 1 variant allele.
Comment: THBS2: BP4, BS1